The following is an entry in ClinVar:

NM_052947.4(ALPK2):c.2881G>A (p.Asp961Asn)

Gene: ALPK2 (alpha kinase 2; minus strand). Cytogenetic location: 18q21.31.
Variant type: single nucleotide variant.
Coding change: c.2881G>A on transcript NM_052947.4 (MANE Select); coding-DNA position 2881, G replaced by A.
Protein change: p.Asp961Asn; replaces aspartic acid 961 with asparagine.
Molecular consequence: missense variant.
Genome position (GRCh38, 1-based): chr18:58,537,306, C>T on the plus strand (G>A on the coding strand, the complement: ALPK2 is on the minus strand). VCF-style: chr18-58537306-C-T. GRCh37 (hg19) VCF-style: chr18-56204538-C-T.
Other names: short protein forms D961N.
Identifiers: ClinVar variation 3530734 (VCV003530734.1).

ClinVar aggregate classification (germline): Uncertain significance (1 of 4 stars; one submission).

gnomAD v4.1: 2 of 1,614,122 alleles (0.00012%); no homozygotes.

Submission:

Ambry Genetics
Classification: Uncertain significance. Last evaluated: 2024-07-13. Review status: criteria provided, single submitter. Criteria: Ambry Variant Classification Scheme 2023. Collection method: clinical testing. Allele origin: germline.
Comment: The p.D961N variant (also known as c.2881G>A), located in coding exon 4 of the ALPK2 gene, results from a G to A substitution at nucleotide position 2881. The aspartic acid at codon 961 is replaced by asparagine, an amino acid with highly similar properties. This amino acid position is conserved. In addition, this alteration is predicted to be tolerated by in silico analysis. Based on the available evidence, the clinical significance of this variant remains unclear.